The following is an entry in ClinVar:

ClinVar aggregate classification (germline): Pathogenic (1 of 4 stars; one submission).

Submission:

Quest Diagnostics Nichols Institute San Juan Capistrano
Classification: Pathogenic. Last evaluated: 2021-12-17. Review status: criteria provided, single submitter. Criteria: ACMG/ClinGen CNV Guidelines, 2019. Collection method: clinical testing. Allele origin: unknown.
Comment: The 16q24.3 deletion interval involves multiple exons of ANKRD11 gene (OMIM 611192). Haploinsufficiency due to loss of ANKRD11, encoding ankyrin repeat domain-containing protein 11, was reported as the cause of a syndrome characterized by intellectual disability with minor facial anomalies and short stature (Sacharow, et al., Am J Med Genet A. 2012 Mar;158A(3):547-52, PMID: 22307766). Additionally, a rare autosomal dominany syndrome known as KBG syndrome (OMIM 148050), which is characterized by macrodontia of the upper central incisors, distinctive craniofacial findings, short stature, skeletal anomalies, and neurologic involvement that includes global developmental delay, seizures, and intellectual disability, can occur due to haploinsufficiency of ANKRD11 via either heterozygous gene deletions or loss of function mutations (Sirmaci, et al., Am J Hum Genet. 2011 Aug 12;89(2):289-94. PMID: 21782149; Khalifa et al. Am J Med Genet A. 2013 Apr;161A(4):835-40. PMID: 23494856; Goldenberg et al. Am J Med Genet A. 2016 Nov;170(11):2847-2859. PMID: 27605097; Isrie et al.Eur J Hum Genet. 2012 Feb;20(2):131-3. PMID: 21654729).

GRCh37/hg19 16q24.3(chr16:89320845-89531224)x1

Genes: ANKRD11 (ankyrin repeat domain containing 11; minus strand), LOC101927817 (uncharacterized LOC101927817; plus strand). Cytogenetic location: 16q24.3.
Variant type: copy number loss.
Change: copy number 1 (one copy instead of two) of chr16:89,320,845-89,531,224 (210.4 kb, GRCh37 coordinates, 1-based), cytogenetic band 16q24.3.
Identifiers: ClinVar variation 1807833 (VCV001807833.1).